The following is an entry in ClinVar:

NM_058216.3(RAD51C):c.904+3G>T

Gene: RAD51C (RAD51 paralog C; plus strand). Cytogenetic location: 17q22.
Variant type: single nucleotide variant.
Coding change: c.904+3G>T on transcript NM_058216.3 (MANE Select); 3 bases into the intron after coding-DNA position 904, G replaced by T.
Molecular consequence: intron variant.
Genome position (GRCh38, 1-based): chr17:58,720,815, G>T. VCF-style: chr17-58720815-G-T. GRCh37 (hg19) VCF-style: chr17-56798176-G-T.
Identifiers: ClinVar variation 939931 (VCV000939931.8), dbSNP rs1290236617, ClinGen allele CA1139665737.

ClinVar aggregate classification (germline): Uncertain significance (1 of 4 stars; one submission).

Conditions:
Fanconi anemia complementation group O. Also called: RAD51C-Related Fanconi Anemia. Identifiers: Orphanet 84, MedGen C3150653, MONDO:0013248, OMIM 613390.

Submissions (2):

Labcorp Genetics (formerly Invitae), Labcorp
Classification: Uncertain significance for Fanconi anemia complementation group O. Last evaluated: 2024-04-10. Review status: criteria provided, single submitter. Criteria: Invitae Variant Classification Sherloc (09022015). Collection method: clinical testing. Allele origin: germline.
Comment: This sequence change falls in intron 6 of the RAD51C gene. It does not directly change the encoded amino acid sequence of the RAD51C protein. It affects a nucleotide within the consensus splice site. This variant is not present in population databases (gnomAD no frequency). This variant has not been reported in the literature in individuals affected with RAD51C-related conditions. ClinVar contains an entry for this variant (Variation ID: 939931). Variants that disrupt the consensus splice site are a relatively common cause of aberrant splicing (PMID: 17576681, 9536098). Algorithms developed to predict the effect of sequence changes on RNA splicing suggest that this variant is not likely to affect RNA splicing. In summary, the available evidence is currently insufficient to determine the role of this variant in disease. Therefore, it has been classified as a Variant of Uncertain Significance.

Dr. Peter K. Rogan Lab, Western University
No classification provided (evidence only). Condition: Ovarian serous cystadenocarcinoma. Review status: no classification provided. Collection method: in vitro. Allele origin: not applicable. Functional consequence: retained intron. Not counted in ClinVar's aggregate classification.

Literature cited by the submitters: PubMed 17576681 (cited by Labcorp Genetics (formerly Invitae), Labcorp); PubMed 9536098 (cited by Labcorp Genetics (formerly Invitae), Labcorp).